The following is an entry in ClinVar:

ClinVar aggregate classification (germline): Likely benign (1 of 4 stars; one submission).

gnomAD v4.1: 27 of 1,205,342 alleles (0.0022%); highest among the groups gnomAD compares: Middle Eastern, 0.073%; no homozygotes.

Submission:

CeGaT Center for Human Genetics Tuebingen
Classification: Likely benign. Last evaluated: 2026-06-01. Review status: criteria provided, single submitter. Criteria: CeGaT Center For Human Genetics Tuebingen Variant Classification Criteria Version 2. Collection method: clinical testing. Allele origin: germline. Affected: yes. Observed: 1 variant allele.
Comment: TAF4: BS2

NM_003185.4(TAF4):c.622C>T (p.His208Tyr)

Gene: TAF4 (TATA-box binding protein associated factor 4; minus strand). Cytogenetic location: 20q13.33.
Variant type: single nucleotide variant.
Coding change: c.622C>T on transcript NM_003185.4 (MANE Select); coding-DNA position 622, C replaced by T.
Protein change: p.His208Tyr; replaces histidine 208 with tyrosine.
Molecular consequence: missense variant.
Genome position (GRCh38, 1-based): chr20:62,065,189, G>A on the plus strand (C>T on the coding strand, the complement: TAF4 is on the minus strand). VCF-style: chr20-62065189-G-A. GRCh37 (hg19) VCF-style: chr20-60640245-G-A.
Other names: short protein forms H208Y.
Identifiers: ClinVar variation 4872497 (VCV004872497.2).